The following is an entry in ClinVar:

ClinVar aggregate classification (germline): Uncertain significance (1 of 4 stars; one submission).

Conditions:
Inborn genetic diseases. Identifiers: MedGen C0950123, MeSH D030342.

gnomAD v4.1: 2 of 1,614,046 alleles (0.00012%); highest among the groups gnomAD compares: Non-Finnish European, 0.000085%; no homozygotes.

Submission:

Ambry Genetics
Classification: Uncertain significance for Inborn genetic diseases. Last evaluated: 2025-08-04. Review status: criteria provided, single submitter. Criteria: Ambry Variant Classification Scheme 2023. Collection method: clinical testing. Allele origin: germline.
Comment: The p.A123V variant (also known as c.368C>T), located in coding exon 1 of the SAMD9 gene, results from a C to T substitution at nucleotide position 368. The alanine at codon 123 is replaced by valine, an amino acid with similar properties. This amino acid position is conserved. In addition, this alteration is predicted to be tolerated by in silico analysis. Based on the available evidence, the clinical significance of this variant remains unclear.

NM_017654.4(SAMD9):c.368C>T (p.Ala123Val)

Gene: SAMD9 (sterile alpha motif domain containing 9; minus strand). Cytogenetic location: 7q21.2.
Variant type: single nucleotide variant.
Coding change: c.368C>T on transcript NM_017654.4 (MANE Select); coding-DNA position 368, C replaced by T.
Protein change: p.Ala123Val; replaces alanine 123 with valine.
Molecular consequence: missense variant.
Genome position (GRCh38, 1-based): chr7:93,105,730, G>A on the plus strand (C>T on the coding strand, the complement: SAMD9 is on the minus strand). VCF-style: chr7-93105730-G-A. GRCh37 (hg19) VCF-style: chr7-92735043-G-A.
Other names: c.368C>T, p.Ala123Val (NM_001193307.2); short protein forms A123V.
Identifiers: ClinVar variation 4159126 (VCV004159126.1).